The following is an entry in ClinVar:

ClinVar aggregate classification (germline): Pathogenic (1 of 4 stars; one submission).

Submission:

Labcorp Genetics (formerly Invitae), Labcorp
Classification: Pathogenic. Last evaluated: 2024-04-30. Review status: criteria provided, single submitter. Criteria: Invitae Variant Classification Sherloc (09022015). Collection method: clinical testing. Allele origin: germline.
Comment: This sequence change creates a premature translational stop signal (p.Glu1020*) in the ZNF469 gene. It is expected to result in an absent or disrupted protein product. Loss-of-function variants in ZNF469 are known to be pathogenic (PMID: 23642083, 23680354). This variant is not present in population databases (gnomAD no frequency). This variant has not been reported in the literature in individuals affected with ZNF469-related conditions. For these reasons, this variant has been classified as Pathogenic.

Literature cited by the submitters: PubMed 23642083; PubMed 23680354.

NM_001367624.2(ZNF469):c.3058G>T (p.Glu1020Ter)

Gene: ZNF469 (zinc finger protein 469; plus strand). Cytogenetic location: 16q24.2.
Variant type: single nucleotide variant.
Coding change: c.3058G>T on transcript NM_001367624.2 (MANE Select); coding-DNA position 3058, G replaced by T.
Protein change: p.Glu1020Ter; replaces glutamic acid 1020 with a stop codon.
Molecular consequence: nonsense.
Genome position (GRCh38, 1-based): chr16:88,430,528, G>T. VCF-style: chr16-88430528-G-T. GRCh37 (hg19) VCF-style: chr16-88496936-G-T.
Other names: short protein forms E1020*.
Identifiers: ClinVar variation 3651652 (VCV003651652.2).